The following is an entry in ClinVar:

ClinVar aggregate classification (germline): Pathogenic (1 of 4 stars; one submission).

Conditions:
Hypothyroidism due to TSH receptor mutations. Also called: HYPOTHYROIDISM DUE TO UNRESPONSIVENESS TO THYROTROPIN; HYPOTHYROIDISM, CONGENITAL, DUE TO TSH RESISTANCE; HYPOTHYROIDISM, NONAUTOIMMUNE; THYROID-STIMULATING HORMONE, RESISTANCE TO; TSH RESISTANCE; Hypothyroidism, congenital, nongoitrous, 1. Identifiers: Orphanet 90673, MedGen C3493776, MONDO:0010142, OMIM 275200.

Submission:

Constantin Polychronakos Laboratory, The Research Institute of the McGill University Health Centre
Classification: Pathogenic for Hypothyroidism due to TSH receptor mutations. Last evaluated: 2025-04-15. Review status: criteria provided, single submitter. Criteria: ACMG Guidelines, 2015. Collection method: clinical testing. Allele origin: germline. Affected: yes.
Comment: The NM_000369.5(TSHR):c.1426_1432delTACACTC (p.Tyr476ThrfsTer35) variant causes a frameshift deletion involving the alteration of a conserved nucleotide (PVS1). The variant was absent in control chromosomes in GnomAD project (PM2). This variant co-segregated with the thyroid disease in the family (PP1). Patient’s phenotype or family history is highly specific for for congenital hypothyroidism due to TSHR mutations (PP4). Based on ACMG guidelines, the c.1426_1432del variant is classified as Pathogenic.

Literature cited by the submitters: DOI 10.3389/fendo.2025.1559281; PubMed 10560953; PubMed 16060907; PubMed 12050212; PubMed 30240412.

NM_000369.5(TSHR):c.1426_1432del (p.Tyr476fs)

Genes: TSHR-AS1 (TSHR antisense RNA 1; minus strand), TSHR (thyroid stimulating hormone receptor; plus strand). Cytogenetic location: 14q31.1.
Variant type: Deletion.
Coding change: c.1426_1432del on transcript NM_000369.5 (MANE Select); coding-DNA positions 1426 to 1432, 7 bases deleted (TACACTC; older notation c.1426_1432delTACACTC).
Protein change: p.Tyr476fs; shifts the reading frame from tyrosine 476.
Molecular consequence: frameshift variant.
Genome position (GRCh38, 1-based): chr14:81,143,484-81,143,490, TACACTC deleted; deleting any 7 consecutive bases within chr14:81,143,481-81,143,490 gives the same sequence; the c. name uses the placement nearest the transcript's 3' end. VCF-style (leftmost placement, unchanged base first): chr14-81143480-CCTCTACA-C. GRCh37 (hg19) VCF-style: chr14-81609824-CCTCTACA-C.
Other names: short protein forms Y476fs.
Identifiers: ClinVar variation 3778827 (VCV003778827.1).